The following is an entry in ClinVar:

NM_003242.6(TGFBR2):c.1549T>A (p.Leu517Met)

Gene: TGFBR2 (transforming growth factor beta receptor 2; plus strand). Cytogenetic location: 3p24.1.
Variant type: single nucleotide variant.
Coding change: c.1549T>A on transcript NM_003242.6 (MANE Select); coding-DNA position 1549, T replaced by A.
Protein change: p.Leu517Met; replaces leucine 517 with methionine.
Molecular consequence: missense variant.
Genome position (GRCh38, 1-based): chr3:30,691,444, T>A. VCF-style: chr3-30691444-T-A. GRCh37 (hg19) VCF-style: chr3-30732936-T-A.
Other names: c.1624T>A, p.Leu542Met (NM_001024847.3); c.1732T>A, p.Leu578Met (NM_001407126.1); c.1657T>A, p.Leu553Met (NM_001407127.1); c.1576T>A, p.Leu526Met (NM_001407128.1); c.1552T>A, p.Leu518Met (NM_001407129.1); c.1546T>A, p.Leu516Met (NM_001407130.1); c.1444T>A, p.Leu482Met (NM_001407132.1, NM_001407133.1, NM_001407134.1 and 2 more transcripts); c.1264T>A, p.Leu422Met (NM_001407137.1); and 2 more; short protein forms L542M, L517M, L516M, L526M, L553M, L227M, L397M, L422M.
Identifiers: ClinVar variation 629782 (VCV000629782.5), dbSNP rs1559473413, ClinGen allele CA351809529.

ClinVar aggregate classification (germline): Uncertain significance (1 of 4 stars; one submission).

Conditions:
Familial thoracic aortic aneurysm and aortic dissection (TAAD). Also called: Thoracic aortic aneurysms and dissections. Identifiers: Orphanet 91387, MedGen C4707243, MONDO:0019625.

Submission:

Color Diagnostics, LLC DBA Color Health
Classification: Uncertain significance for Familial thoracic aortic aneurysm and aortic dissection. Last evaluated: 2023-12-04. Review status: criteria provided, single submitter. Criteria: ACMG Guidelines, 2015. Collection method: clinical testing. Allele origin: germline.
Comment: Variant of Uncertain Significance due to insufficient evidence: This missense variant is located in the kinase domain of the TGFBR2 protein. Computational prediction tools and conservation analyses are inconclusive regarding the impact of this variant on the protein function. Computational splicing tools suggest that this variant may not impact RNA splicing. To our knowledge, functional assays have not been performed for this variant nor has this variant been reported in individuals affected with cardiovascular disorders in the literature. This variant is rare in the general population and has been identified in 0/277264 chromosomes by the Genome Aggregation Database (gnomAD). Available evidence is insufficient to determine the pathogenicity of this variant conclusively.